The following is an entry in ClinVar:

ClinVar aggregate classification (germline): Uncertain significance (1 of 4 stars; one submission).

Conditions:
Epileptic encephalopathy. Identifiers: MedGen C0543888, HP:0200134.

Submission:

Labcorp Genetics (formerly Invitae), Labcorp
Classification: Uncertain significance for Epileptic encephalopathy. Last evaluated: 2021-04-12. Review status: criteria provided, single submitter. Criteria: Invitae Variant Classification Sherloc (09022015). Collection method: clinical testing. Allele origin: germline.
Comment: In summary, the available evidence is currently insufficient to determine the role of this variant in disease. Therefore, it has been classified as a Variant of Uncertain Significance. This sequence change replaces valine with leucine at codon 1078 of the FASN protein (p.Val1078Leu). The valine residue is moderately conserved and there is a small physicochemical difference between valine and leucine. This variant is not present in population databases (ExAC no frequency). This variant has not been reported in the literature in individuals with FASN-related conditions. Algorithms developed to predict the effect of missense changes on protein structure and function (SIFT, PolyPhen-2, Align-GVGD) all suggest that this variant is likely to be tolerated, but these predictions have not been confirmed by published functional studies and their clinical significance is uncertain.

NM_004104.5(FASN):c.3232G>C (p.Val1078Leu)

Gene: FASN (fatty acid synthase; minus strand). Cytogenetic location: 17q25.3.
Variant type: single nucleotide variant.
Coding change: c.3232G>C on transcript NM_004104.5 (MANE Select); coding-DNA position 3232, G replaced by C.
Protein change: p.Val1078Leu; replaces valine 1078 with leucine.
Molecular consequence: missense variant.
Genome position (GRCh38, 1-based): chr17:82,087,245, C>G on the plus strand (G>C on the coding strand, the complement: FASN is on the minus strand). VCF-style: chr17-82087245-C-G. GRCh37 (hg19) VCF-style: chr17-80045121-C-G.
Other names: short protein forms V1078L.
Identifiers: ClinVar variation 1525678 (VCV001525678.8), dbSNP rs146146551, ClinGen allele CA401553489.
Genomic context (GRCh38, chr17:82,087,245, plus strand): 5'-GGAGCCCGGAGATGTGGACGCCTCCGGCCACTGTGACCCTCAGCCACCTGCTCACCACCA[C>G]GTCAGCCACTGTGGGGACAGGCTGGGTGAGTGCGGCATACTTGGGTGGGGGCACTGGGCT-3'
Protein context (NP_004095.4, residues 1068-1088): TLQDKAQVAD[Val1078Leu]VVSRWLRVTV